The following is an entry in ClinVar:

NM_017780.4(CHD7):c.506C>T (p.Pro169Leu)

Gene: CHD7 (chromodomain helicase DNA binding protein 7; plus strand). Cytogenetic location: 8q12.2.
Variant type: single nucleotide variant.
Coding change: c.506C>T on transcript NM_017780.4 (MANE Select); coding-DNA position 506, C replaced by T.
Protein change: p.Pro169Leu; replaces proline 169 with leucine.
Molecular consequence: missense variant.
Genome position (GRCh38, 1-based): chr8:60,741,938, C>T. VCF-style: chr8-60741938-C-T. GRCh37 (hg19) VCF-style: chr8-61654497-C-T.
Other names: c.506C>T, p.Pro169Leu (NM_001316690.1); short protein forms P169L.
Identifiers: ClinVar variation 3625580 (VCV003625580.2).

ClinVar aggregate classification (germline): Uncertain significance (1 of 4 stars; one submission).

Conditions:
CHARGE syndrome (CHARGE). Also called: Hittner Hirsch Kreh syndrome; CHARGE ASSOCIATION--COLOBOMA, HEART ANOMALY, CHOANAL ATRESIA, RETARDATION, GENITAL AND EAR ANOMALIES; Coloboma, heart anomaly, choanal atresia, retardation, genital and ear anomalies; CHARGE association; Hall-Hittner syndrome. Identifiers: Orphanet 138, MedGen C0265354, MONDO:0008965.

gnomAD v4.1: 1 of 1,613,388 alleles (0.000062%); highest among the groups gnomAD compares: South Asian, 0.0011%; no homozygotes.

Submission:

Labcorp Genetics (formerly Invitae), Labcorp
Classification: Uncertain significance for CHARGE syndrome. Last evaluated: 2024-04-20. Review status: criteria provided, single submitter. Criteria: Invitae Variant Classification Sherloc (09022015). Collection method: clinical testing. Allele origin: germline.
Comment: This sequence change replaces proline, which is neutral and non-polar, with leucine, which is neutral and non-polar, at codon 169 of the CHD7 protein (p.Pro169Leu). This variant is not present in population databases (gnomAD no frequency). This variant has not been reported in the literature in individuals affected with CHD7-related conditions. Advanced modeling of protein sequence and biophysical properties (such as structural, functional, and spatial information, amino acid conservation, physicochemical variation, residue mobility, and thermodynamic stability) performed at Invitae indicates that this missense variant is not expected to disrupt CHD7 protein function with a negative predictive value of 95%. In summary, the available evidence is currently insufficient to determine the role of this variant in disease. Therefore, it has been classified as a Variant of Uncertain Significance.